The following is an entry in ClinVar:

NM_014008.5(CCDC22):c.1432-7dup

Gene: CCDC22 (CCC complex scaffolding subunit CCDC22; plus strand). Cytogenetic location: Xp11.23.
Variant type: Duplication.
Coding change: c.1432-7dup on transcript NM_014008.5 (MANE Select); 7 bases into the intron before coding-DNA position 1432, one base duplicated (T; older notation c.1432-7dupT).
Molecular consequence: intron variant.
Genome position (GRCh38, 1-based): chrX:49,248,810, T duplicated. VCF-style (leftmost placement, unchanged base first): chrX-49248809-C-CT. GRCh37 (hg19) VCF-style: chrX-49105270-C-CT.
Identifiers: ClinVar variation 3388879 (VCV003388879.15).

ClinVar aggregate classification (germline): Likely benign. Review status: criteria provided, multiple submitters, no conflicts (2 of 4 stars). 2 submissions from 2 submitters: Likely benign (2). Last evaluated 2024-10-01.

Submissions (2):

CeGaT Center for Human Genetics Tuebingen
Classification: Likely benign. Last evaluated: 2024-10-01. Review status: criteria provided, single submitter. Criteria: CeGaT Center For Human Genetics Tuebingen Variant Classification Criteria Version 2. Collection method: clinical testing. Allele origin: germline. Affected: yes. Observed: 1 variant allele.
Comment: CCDC22: BP4, BS2

Blueprint Genetics
Classification: Likely benign. Last evaluated: 2023-09-20. Review status: criteria provided, single submitter. Criteria: ACMG Guidelines, 2015. Collection method: clinical testing. Allele origin: germline.